The following is an entry in ClinVar:

NM_000548.5(TSC2):c.5318A>C (p.His1773Pro)

Gene: TSC2 (TSC complex subunit 2; plus strand). Cytogenetic location: 16p13.3.
Variant type: single nucleotide variant.
Coding change: c.5318A>C on transcript NM_000548.5 (MANE Select); coding-DNA position 5318, A replaced by C.
Protein change: p.His1773Pro; replaces histidine 1773 with proline.
Molecular consequence: missense variant.
Genome position (GRCh38, 1-based): chr16:2,088,504, A>C. VCF-style: chr16-2088504-A-C. GRCh37 (hg19) VCF-style: chr16-2138505-A-C.
Other names: c.5117A>C, p.His1706Pro (NM_001077183.3); c.5249A>C, p.His1750Pro (NM_001114382.3); c.5009A>C, p.His1670Pro (NM_001318827.2); c.4973A>C, p.His1658Pro (NM_001318829.2); c.4586A>C, p.His1529Pro (NM_001318831.2); c.5150A>C, p.His1717Pro (NM_001318832.2); c.5120A>C, p.His1707Pro (NM_001363528.2); c.5186A>C, p.His1729Pro (NM_001370404.1); and 2 more; short protein forms H1773P, H1750P, H1529P, H1670P, H1730P, H1658P, H1706P, H1707P.
Identifiers: ClinVar variation 49920 (VCV000049920.5), dbSNP rs45517418, ClinGen allele CA022386.

ClinVar aggregate classification (germline): Uncertain significance. Review status: criteria provided, multiple submitters, no conflicts (2 of 4 stars). 3 submissions from 3 submitters: Uncertain significance (2). 1 of the submissions does not count toward it. Last evaluated 2025-06-26.

Conditions:
Tuberous sclerosis syndrome (TSC). Also called: Tuberous Sclerosis Complex; Tuberous sclerosis. Identifiers: Orphanet 805, MedGen C0041341, MONDO:0001734.
Tuberous sclerosis 2 (TSC2). Identifiers: Orphanet 805, MedGen C1860707, MONDO:0013199, OMIM 613254.
Hereditary cancer-predisposing syndrome. Also called: Neoplastic Syndromes, Hereditary; Tumor predisposition; Hereditary Cancer Syndrome; Hereditary neoplastic syndrome. Identifiers: Orphanet 140162, MedGen C0027672, MeSH D009386, MONDO:0015356.

gnomAD v4.1: 1 of 1,612,852 alleles (0.000062%); highest among the groups gnomAD compares: Non-Finnish European, 0.000085%; no homozygotes.

Submissions (3):

Ambry Genetics
Classification: Uncertain significance for Hereditary cancer-predisposing syndrome. Last evaluated: 2025-06-26. Review status: criteria provided, single submitter. Criteria: Ambry Variant Classification Scheme 2023. Collection method: clinical testing. Allele origin: germline.
Comment: The p.H1773P variant (also known as c.5318A>C), located in coding exon 41 of the TSC2 gene, results from an A to C substitution at nucleotide position 5318. The histidine at codon 1773 is replaced by proline, an amino acid with similar properties. In one functional study, this alteration was found to have similar TSC1-TSC2 dependent inhibition of TORC1 as wild-type (Hoogeveen-Westerveld M et al. Hum Mutat, 2013 Jan;34:167-75). This amino acid position is not well conserved in available vertebrate species. In addition, the in silico prediction for this alteration is inconclusive. Based on the available evidence, the clinical significance of this variant remains unclear.

Labcorp Genetics (formerly Invitae), Labcorp
Classification: Uncertain significance for Tuberous sclerosis 2. Last evaluated: 2025-04-17. Review status: criteria provided, single submitter. Criteria: Invitae Variant Classification Sherloc (09022015). Collection method: clinical testing. Allele origin: germline.
Comment: This sequence change replaces histidine, which is basic and polar, with proline, which is neutral and non-polar, at codon 1773 of the TSC2 protein (p.His1773Pro). This variant is not present in population databases (gnomAD no frequency). This missense change has been observed in individual(s) with tuberous sclerosis complex (PMID: 10732801). ClinVar contains an entry for this variant (Variation ID: 49920). Invitae Evidence Modeling of protein sequence and biophysical properties (such as structural, functional, and spatial information, amino acid conservation, physicochemical variation, residue mobility, and thermodynamic stability) indicates that this missense variant is not expected to disrupt TSC2 protein function with a negative predictive value of 95%. Experimental studies have shown that this missense change does not substantially affect TSC2 function (PMID: 22903760). In summary, the available evidence is currently insufficient to determine the role of this variant in disease. Therefore, it has been classified as a Variant of Uncertain Significance.

Tuberous sclerosis database (TSC2)
No classification provided. Condition: TSC. Review status: no classification provided. Criteria: Tuberous Sclerosis Database Assertion Criteria 2015. Collection method: curation. Allele origin: germline. Affected: yes. Not counted in ClinVar's aggregate classification.

Literature cited by the submitters: PubMed 22903760 (cited by Ambry Genetics and Labcorp Genetics (formerly Invitae), Labcorp); PubMed 10732801 (cited by Labcorp Genetics (formerly Invitae), Labcorp).